The following is an entry in ClinVar:

NM_199242.3(UNC13D):c.419T>C (p.Ile140Thr)

Gene: UNC13D (unc-13 homolog D; minus strand). Cytogenetic location: 17q25.1.
Variant type: single nucleotide variant.
Coding change: c.419T>C on transcript NM_199242.3 (MANE Select); coding-DNA position 419, T replaced by C.
Protein change: p.Ile140Thr; replaces isoleucine 140 with threonine.
Molecular consequence: missense variant.
Genome position (GRCh38, 1-based): chr17:75,842,583, A>G on the plus strand (T>C on the coding strand, the complement: UNC13D is on the minus strand). VCF-style: chr17-75842583-A-G. GRCh37 (hg19) VCF-style: chr17-73838664-A-G.
Other names: short protein forms I140T.
Identifiers: ClinVar variation 1015093 (VCV001015093.7), dbSNP rs1181554837, ClinGen allele CA401114579.

ClinVar aggregate classification (germline): Uncertain significance (1 of 4 stars; one submission).

Conditions:
Familial hemophagocytic lymphohistiocytosis 3 (FHL3). Also called: UNC13D-Related Familial Hemophagocytic Lymphohistiocytosis (UNC13D-fHLH). Identifiers: Orphanet 540, MedGen C1837174, MONDO:0012146, OMIM 608898.

Allele frequency attached by ClinVar (database versions not stated): gnomAD exomes below 0.00001; gnomAD 0.00001; TOPMed 0.00002.
gnomAD v4.1: 7 of 1,611,590 alleles (0.00043%); highest among the groups gnomAD compares: Admixed American, 0.0067%; no homozygotes.

Submission:

Labcorp Genetics (formerly Invitae), Labcorp
Classification: Uncertain significance for Familial hemophagocytic lymphohistiocytosis 3. Last evaluated: 2023-08-04. Review status: criteria provided, single submitter. Criteria: Invitae Variant Classification Sherloc (09022015). Collection method: clinical testing. Allele origin: germline.
Comment: In summary, the available evidence is currently insufficient to determine the role of this variant in disease. Therefore, it has been classified as a Variant of Uncertain Significance. Advanced modeling of protein sequence and biophysical properties (such as structural, functional, and spatial information, amino acid conservation, physicochemical variation, residue mobility, and thermodynamic stability) has been performed at Invitae for this missense variant, however the output from this modeling did not meet the statistical confidence thresholds required to predict the impact of this variant on UNC13D protein function. ClinVar contains an entry for this variant (Variation ID: 1015093). This missense change has been observed in individual(s) with clinical features of hemophagocytic lymphohistiocytosis (PMID: 21248318, 32542393). This variant is present in population databases (no rsID available, gnomAD 0.003%). This sequence change replaces isoleucine, which is neutral and non-polar, with threonine, which is neutral and polar, at codon 140 of the UNC13D protein (p.Ile140Thr).

Literature cited by the submitters: PubMed 21248318; PubMed 32542393.